The following is an entry in ClinVar:

NM_005236.3(ERCC4):c.*2577C>A

Gene: ERCC4 (ERCC excision repair 4, endonuclease catalytic subunit; plus strand). Cytogenetic location: 16p13.12.
Variant type: single nucleotide variant.
Coding change: c.*2577C>A on transcript NM_005236.3 (MANE Select); 2577 bases downstream of the stop codon, C replaced by A.
Molecular consequence: 3 prime UTR variant.
Genome position (GRCh38, 1-based): chr16:13,950,924, C>A. VCF-style: chr16-13950924-C-A. GRCh37 (hg19) VCF-style: chr16-14044781-C-A.
Identifiers: ClinVar variation 210952 (VCV000210952.10), dbSNP rs56012340, ClinGen allele CA209356.

ClinVar aggregate classification (germline): Benign/Likely benign. Review status: criteria provided, multiple submitters, no conflicts (2 of 4 stars). 3 submissions from 3 submitters: Benign (1); Likely benign (2). Last evaluated 2018-01-13.

Conditions:
Xeroderma pigmentosum, group F (XPF). Also called: XERODERMA PIGMENTOSUM VI; XP, GROUP F; XERODERMA PIGMENTOSUM, TYPE F; Xeroderma pigmentosum, type 6; XERODERMA PIGMENTOSUM, COMPLEMENTATION GROUP F; ERCC4-Related Xeroderma Pigmentosum. Identifiers: MedGen C0268140, MONDO:0010215, OMIM 278760.

Allele frequency attached by ClinVar (database versions not stated): gnomAD exomes 0.25861; 1000 Genomes Project 30x 0.20362; 1000 Genomes Project 0.21326; TOPMed 0.22803; gnomAD 0.23225 and 0.23310.
gnomAD v4.1: 46,909 of 195,684 alleles (24%); highest among the groups gnomAD compares: Middle Eastern, 32%; 5,987 homozygotes.

Submissions (3):

Illumina Laboratory Services, Illumina
Classification: Benign for Xeroderma pigmentosum, group F. Last evaluated: 2018-01-13. Review status: criteria provided, single submitter. Criteria: ICSL Variant Classification Criteria 13 December 2019. Collection method: clinical testing. Allele origin: germline.
Comment: This variant was observed in the ICSL laboratory as part of a predisposition screen in an ostensibly healthy population. It had not been previously curated by ICSL or reported in the Human Gene Mutation Database (HGMD: prior to June 1st, 2018), and was therefore a candidate for classification through an automated scoring system. Utilizing variant allele frequency, disease prevalence and penetrance estimates, and inheritance mode, an automated score was calculated to assess if this variant is too frequent to cause the disease. Based on the score and internal cut-off values, a variant classified as benign is not then subjected to further curation. The score for this variant resulted in a classification of benign for this disease.

Genetic Services Laboratory, University of Chicago
Classification: Likely benign. Last evaluated: 2015-04-11. Review status: criteria provided, single submitter. Criteria: ACMG Guidelines, 2015. Collection method: clinical testing. Allele origin: germline.

Breakthrough Genomics
Classification: Likely benign. Review status: criteria provided, single submitter. Criteria: ACMG Guidelines, 2015. Collection method: not provided. Allele origin: germline. Inheritance: Autosomal recessive inheritance. Affected: yes.